The following is an entry in ClinVar:

ClinVar aggregate classification (germline): Uncertain significance. Review status: criteria provided, multiple submitters, no conflicts (2 of 4 stars). 2 submissions from 2 submitters: Uncertain significance (2). Last evaluated 2024-12-30.

gnomAD v4.1: 18 of 1,613,662 alleles (0.0011%); highest among the groups gnomAD compares: Non-Finnish European, 0.0015%; no homozygotes.

Submissions (2):

Dasa
Classification: Uncertain significance. Last evaluated: 2024-12-30. Review status: criteria provided, single submitter. Criteria: DASA Assertion Criteria. Collection method: clinical testing. Allele origin: germline.
Comment: NM_001563.4(IMPG1):c.1901T>G (p.Ile634Ser) is a missense variant that results in the substitution of isoleucine with serine. This variant is rare in population databases. The currently available literature and clinical evidence are not sufficient to establish a definitive association between this variant and the reported condition. Therefore, this variant is classified as a variant of uncertain significance.

Labcorp Genetics (formerly Invitae), Labcorp
Classification: Uncertain significance. Last evaluated: 2024-01-10. Review status: criteria provided, single submitter. Criteria: Invitae Variant Classification Sherloc (09022015). Collection method: clinical testing. Allele origin: germline.
Comment: This sequence change replaces isoleucine, which is neutral and non-polar, with serine, which is neutral and polar, at codon 634 of the IMPG1 protein (p.Ile634Ser). This variant is present in population databases (rs75117418, gnomAD 0.0009%). This variant has not been reported in the literature in individuals affected with IMPG1-related conditions. ClinVar contains an entry for this variant (Variation ID: 1346434). An algorithm developed to predict the effect of missense changes on protein structure and function (PolyPhen-2) suggests that this variant is likely to be disruptive. In summary, the available evidence is currently insufficient to determine the role of this variant in disease. Therefore, it has been classified as a Variant of Uncertain Significance.

NM_001563.4(IMPG1):c.1901T>G (p.Ile634Ser)

Gene: IMPG1 (interphotoreceptor matrix proteoglycan 1; minus strand). Cytogenetic location: 6q14.1.
Variant type: single nucleotide variant.
Coding change: c.1901T>G on transcript NM_001563.4 (MANE Select); coding-DNA position 1901, T replaced by G.
Protein change: p.Ile634Ser; replaces isoleucine 634 with serine.
Molecular consequence: missense variant.
Genome position (GRCh38, 1-based): chr6:75,947,457, A>C on the plus strand (T>G on the coding strand, the complement: IMPG1 is on the minus strand). VCF-style: chr6-75947457-A-C. GRCh37 (hg19) VCF-style: chr6-76657174-A-C.
Other names: c.1667T>G, p.Ile556Ser (NM_001282368.2); short protein forms I556S, I634S.
Identifiers: ClinVar variation 1346434 (VCV001346434.10), dbSNP rs75117418, ClinGen allele CA3898008.